The following is an entry in ClinVar:

ClinVar aggregate classification (germline): Uncertain significance. Review status: criteria provided, multiple submitters, no conflicts (2 of 4 stars). 2 submissions from 2 submitters: Uncertain significance (2). Last evaluated 2022-02-23.

Allele frequency attached by ClinVar (database versions not stated): gnomAD exomes below 0.00001; gnomAD 0.00001.

Submissions (2):

Labcorp Genetics (formerly Invitae), Labcorp
Classification: Uncertain significance. Last evaluated: 2022-02-23. Review status: criteria provided, single submitter. Criteria: Invitae Variant Classification Sherloc (09022015). Collection method: clinical testing. Allele origin: germline.
Comment: In summary, the available evidence is currently insufficient to determine the role of this variant in disease. Therefore, it has been classified as a Variant of Uncertain Significance. ClinVar contains an entry for this variant (Variation ID: 1042524). This premature translational stop signal has been observed in individual(s) with clinical features of retinitis pigmentosa (Invitae). This variant is present in population databases (no rsID available, gnomAD 0.003%). This sequence change creates a premature translational stop signal (p.Arg151*) in the ARL3 gene. It is expected to result in an absent or disrupted protein product. However, the current clinical and genetic evidence is not sufficient to establish whether loss-of-function variants in ARL3 cause disease.

Blueprint Genetics
Classification: Uncertain significance. Last evaluated: 2021-09-06. Review status: criteria provided, single submitter. Criteria: ACMG Guidelines, 2015. Collection method: clinical testing. Allele origin: germline.

NM_004311.4(ARL3):c.451C>T (p.Arg151Ter)

Gene: ARL3 (ARF like GTPase 3; minus strand). Cytogenetic location: 10q24.32.
Variant type: single nucleotide variant.
Coding change: c.451C>T on transcript NM_004311.4 (MANE Select); coding-DNA position 451, C replaced by T.
Protein change: p.Arg151Ter; replaces arginine 151 with a stop codon.
Molecular consequence: nonsense.
Genome position (GRCh38, 1-based): chr10:102,685,866, G>A on the plus strand (C>T on the coding strand, the complement: ARL3 is on the minus strand). VCF-style: chr10-102685866-G-A. GRCh37 (hg19) VCF-style: chr10-104445623-G-A.
Other names: short protein forms R151*.
Identifiers: ClinVar variation 1042524 (VCV001042524.7), dbSNP rs1177720492, ClinGen allele CA377919943.